The following is an entry in ClinVar:

ClinVar aggregate classification (germline): Uncertain significance (1 of 4 stars; one submission).

Conditions:
Mitochondrial complex II deficiency, nuclear type 1. Also called: SUCCINATE CoQ REDUCTASE DEFICIENCY. Identifiers: Orphanet 3208, MedGen C5700310, MONDO:0100294, OMIM 252011.
Pheochromocytoma/paraganglioma syndrome 5. Also called: Paragangliomas 5; SDHA-Related Hereditary Paraganglioma-Pheochromocytoma Syndrome. Identifiers: Orphanet 29072, MedGen C3279992, MONDO:0013602, OMIM 614165.

Submission:

Labcorp Genetics (formerly Invitae), Labcorp
Classification: Uncertain significance for Pheochromocytoma/paraganglioma syndrome 5; Mitochondrial complex II deficiency, nuclear type 1. Last evaluated: 2025-06-02. Review status: criteria provided, single submitter. Criteria: Invitae Variant Classification Sherloc (09022015). Collection method: clinical testing. Allele origin: germline.
Comment: This sequence change replaces alanine, which is neutral and non-polar, with glycine, which is neutral and non-polar, at codon 17 of the SDHA protein (p.Ala17Gly). This variant is not present in population databases (gnomAD no frequency). This variant has not been reported in the literature in individuals affected with SDHA-related conditions. Invitae Evidence Modeling of protein sequence and biophysical properties (such as structural, functional, and spatial information, amino acid conservation, physicochemical variation, residue mobility, and thermodynamic stability) indicates that this missense variant is not expected to disrupt SDHA protein function with a negative predictive value of 95%. In summary, the available evidence is currently insufficient to determine the role of this variant in disease. Therefore, it has been classified as a Variant of Uncertain Significance.

NM_004168.4(SDHA):c.50C>G (p.Ala17Gly)

Gene: SDHA (succinate dehydrogenase complex flavoprotein subunit A; plus strand). Cytogenetic location: 5p15.33.
Variant type: single nucleotide variant.
Coding change: c.50C>G on transcript NM_004168.4 (MANE Select); coding-DNA position 50, C replaced by G.
Protein change: p.Ala17Gly; replaces alanine 17 with glycine.
Molecular consequence: missense variant.
Genome position (GRCh38, 1-based): chr5:218,405, C>G. VCF-style: chr5-218405-C-G. GRCh37 (hg19) VCF-style: chr5-218520-C-G.
Other names: c.50C>G, p.Ala17Gly (NM_001294332.2, NM_001330758.2); short protein forms A17G.
Identifiers: ClinVar variation 4789751 (VCV004789751.1).
Genomic context (GRCh38, chr5:218,405, plus strand): 5'-CAACAGCAGACATGTCGGGGGTCCGGGGCCTGTCGCGGCTGCTGAGCGCTCGGCGCCTGG[C>G]GCTGGCCAAGGCGGTGAGTCCGTGCCGCGGACCGGGGCGGGGCAGGCGGGGGCCGAGGCG-3'
Protein context (NP_004159.2, residues 7-27): LSRLLSARRL[Ala17Gly]LAKAWPTVLQ